The following is an entry in ClinVar:

NM_000535.7(PMS2):c.573C>G (p.Tyr191Ter)

Gene: PMS2 (PMS1 homolog 2, mismatch repair system component; minus strand). Cytogenetic location: 7p22.1.
Variant type: single nucleotide variant.
Coding change: c.573C>G on transcript NM_000535.7 (MANE Select); coding-DNA position 573, C replaced by G.
Protein change: p.Tyr191Ter; replaces tyrosine 191 with a stop codon.
Molecular consequence: nonsense. On other transcripts: non-coding transcript variant (1), intron variant (3).
Genome position (GRCh38, 1-based): chr7:5,999,240, G>C on the plus strand (C>G on the coding strand, the complement: PMS2 is on the minus strand). VCF-style: chr7-5999240-G-C. GRCh37 (hg19) VCF-style: chr7-6038871-G-C.
Other names: c.168C>G, p.Tyr56Ter (NM_001322003.2, NM_001322004.2, NM_001322005.2 and 2 more transcripts); c.573C>G, p.Tyr191Ter (NM_001322006.2, NM_001322014.2); c.255C>G, p.Tyr85Ter (NM_001322007.2, NM_001322008.2); c.264C>G, p.Tyr88Ter (NM_001322015.2); c.133-1817C>G (NM_001322013.2); c.-347-14C>G (NM_001322012.2, NM_001322011.2); short protein forms Y56*, Y191*, Y85*, Y88*.
Identifiers: ClinVar variation 965742 (VCV000965742.9), dbSNP rs761134229, ClinGen allele CA366744062.

ClinVar aggregate classification (germline): Pathogenic. Review status: criteria provided, multiple submitters, no conflicts (2 of 4 stars). 2 submissions from 2 submitters: Pathogenic (2). Last evaluated 2021-09-11.

Conditions:
Mismatch repair cancer syndrome 4. Identifiers: MedGen C5436817, MONDO:0030843, OMIM 619101.
Lynch syndrome 4 (LYNCH4). Also called: Colorectal cancer, hereditary nonpolyposis, type 4; Hereditary non-polyposis colorectal cancer, type 4. Identifiers: Orphanet 144, MedGen C1838333, MONDO:0013699, OMIM 614337. Disease mechanism: loss of function.
Hereditary nonpolyposis colorectal neoplasms. Identifiers: MedGen C0009405, MeSH D003123.

Submissions (2):

Fulgent Genetics
Classification: Pathogenic for Lynch syndrome 4; Mismatch repair cancer syndrome 4. Last evaluated: 2021-09-11. Review status: criteria provided, single submitter. Criteria: ACMG Guidelines, 2015. Collection method: clinical testing. Allele origin: unknown.

Labcorp Genetics (formerly Invitae), Labcorp
Classification: Pathogenic for Hereditary nonpolyposis colorectal neoplasms. Last evaluated: 2019-11-05. Review status: criteria provided, single submitter. Criteria: Invitae Variant Classification Sherloc (09022015). Collection method: clinical testing. Allele origin: germline.
Comment: For these reasons, this variant has been classified as Pathogenic. Loss-of-function variants in PMS2 are known to be pathogenic (PMID: 21376568, 24362816). Algorithms developed to predict the effect of sequence changes on RNA splicing suggest that this variant may create or strengthen a splice site, but this prediction has not been confirmed by published transcriptional studies. This variant has not been reported in the literature in individuals with PMS2-related conditions. This variant is not present in population databases (ExAC no frequency). This sequence change creates a premature translational stop signal (p.Tyr191*) in the PMS2 gene. It is expected to result in an absent or disrupted protein product.

Literature cited by the submitters: PubMed 21376568 (cited by Labcorp Genetics (formerly Invitae), Labcorp); PubMed 24362816 (cited by Labcorp Genetics (formerly Invitae), Labcorp).